The following is an entry in ClinVar:

NM_000222.3(KIT):c.563T>C (p.Val188Ala)

Gene: KIT (KIT proto-oncogene, receptor tyrosine kinase; plus strand). Cytogenetic location: 4q12.
Variant type: single nucleotide variant.
Coding change: c.563T>C on transcript NM_000222.3 (MANE Select); coding-DNA position 563, T replaced by C.
Protein change: p.Val188Ala; replaces valine 188 with alanine.
Molecular consequence: missense variant.
Genome position (GRCh38, 1-based): chr4:54,698,509, T>C. VCF-style: chr4-54698509-T-C. GRCh37 (hg19) VCF-style: chr4-55564675-T-C.
Other names: c.563T>C, p.Val188Ala (NM_001093772.2, NM_001385284.1, NM_001385285.1 and 4 more transcripts); short protein forms V188A.
Identifiers: ClinVar variation 528509 (VCV000528509.12), dbSNP rs1553887765, ClinGen allele CA356897939.

ClinVar aggregate classification (germline): Conflicting classifications of pathogenicity. Review status: criteria provided, conflicting classifications (1 of 4 stars). 2 submissions from 2 submitters: Uncertain significance (1); Likely benign (1). Last evaluated 2026-02-03.

Conditions:
Gastrointestinal stromal tumor. Also called: Gastrointestinal stroma tumor; Gastrointestinal stromal tumor, somatic. Identifiers: Orphanet 44890, MedGen C0238198, MeSH D046152, MONDO:0011719, OMIM 606764, HP:0100723.
Hereditary cancer-predisposing syndrome. Also called: Tumor predisposition; Hereditary neoplastic syndrome; Hereditary Cancer Syndrome; Neoplastic Syndromes, Hereditary. Identifiers: Orphanet 140162, MedGen C0027672, MeSH D009386, MONDO:0015356.

Submissions (2):

Labcorp Genetics (formerly Invitae), Labcorp
Classification: Uncertain significance for Gastrointestinal stromal tumor. Last evaluated: 2026-02-03. Review status: criteria provided, single submitter. Criteria: Invitae Variant Classification Sherloc (09022015). Collection method: clinical testing. Allele origin: germline.
Comment: This sequence change replaces valine, which is neutral and non-polar, with alanine, which is neutral and non-polar, at codon 188 of the KIT protein (p.Val188Ala). This variant is not present in population databases (gnomAD no frequency). This variant has not been reported in the literature in individuals affected with KIT-related conditions. ClinVar contains an entry for this variant (Variation ID: 528509). An algorithm developed to predict the effect of missense changes on protein structure and function outputs the following: PolyPhen-2: "Benign". The alanine amino acid residue is found in multiple mammalian species, which suggests that this missense change does not adversely affect protein function. In summary, the available evidence is currently insufficient to determine the role of this variant in disease. Therefore, it has been classified as a Variant of Uncertain Significance.

Ambry Genetics
Classification: Likely benign for Hereditary cancer-predisposing syndrome. Last evaluated: 2021-06-15. Review status: criteria provided, single submitter. Criteria: Ambry Variant Classification Scheme 2023. Collection method: clinical testing. Allele origin: germline.